The following is an entry in ClinVar:

ClinVar aggregate classification (germline): Uncertain significance (1 of 4 stars; one submission).

Submission:

GeneDx
Classification: Uncertain significance. Last evaluated: 2025-05-16. Review status: criteria provided, single submitter. Criteria: GeneDx Variant Classification Process June 2021. Collection method: clinical testing. Allele origin: germline. Affected: yes.
Comment: Not observed at significant frequency in large population cohorts (gnomAD); In silico analysis suggests that this missense variant does not alter protein structure/function; Has not been previously published as pathogenic or benign to our knowledge

NM_181882.3(PRX):c.2866A>G (p.Lys956Glu)

Gene: PRX (periaxin; minus strand). Cytogenetic location: 19q13.2.
Variant type: single nucleotide variant.
Coding change: c.2866A>G on transcript NM_181882.3 (MANE Select); coding-DNA position 2866, A replaced by G.
Protein change: p.Lys956Glu; replaces lysine 956 with glutamic acid.
Molecular consequence: missense variant. On other transcripts: 3 prime UTR variant (1).
Genome position (GRCh38, 1-based): chr19:40,395,486, T>C on the plus strand (A>G on the coding strand, the complement: PRX is on the minus strand). VCF-style: chr19-40395486-T-C. GRCh37 (hg19) VCF-style: chr19-40901393-T-C.
Other names: c.3151A>G, p.Lys1051Glu (NM_001411127.1); c.*3071A>G (NM_020956.2); short protein forms K1051E, K956E.
Identifiers: ClinVar variation 4531001 (VCV004531001.1).